The following is an entry in ClinVar:

ClinVar aggregate classification (germline): Uncertain significance. Review status: criteria provided, multiple submitters, no conflicts (2 of 4 stars). 2 submissions from 2 submitters: Uncertain significance (2). Last evaluated 2026-07-23.

Conditions:
Colorectal cancer. Also called: Colorectal cancer, somatic; Malignant Colorectal Neoplasm. Identifiers: MedGen C0346629, MONDO:0005575, OMIM 114500.
Colorectal cancer, hereditary nonpolyposis, type 7. Identifiers: Orphanet 144, MedGen C1858380, MONDO:0013725, OMIM 614385.
Endometrial carcinoma. Also called: Endometrial carcinoma, somatic. Identifiers: MedGen C0476089, MONDO:0002447, OMIM 608089, HP:0012114.

Submissions (2):

Ambry Genetics
Classification: Uncertain significance. Last evaluated: 2026-07-23. Review status: criteria provided, single submitter. Criteria: Ambry Variant Classification Scheme 2023. Collection method: clinical testing. Allele origin: germline.
Comment: The p.N1059Y variant (also known as c.3175A>T), located in coding exon 1 of the MLH3 gene, results from an A to T substitution at nucleotide position 3175. The asparagine at codon 1059 is replaced by tyrosine, an amino acid with dissimilar properties. This amino acid position is highly conserved in available vertebrate species. In addition, this alteration is predicted to be deleterious by in silico analysis. Based on the available evidence, the clinical significance of this variant remains unclear.

Fulgent Genetics
Classification: Uncertain significance for Colorectal cancer; Endometrial carcinoma; Colorectal cancer, hereditary nonpolyposis, type 7. Last evaluated: 2024-02-25. Review status: criteria provided, single submitter. Criteria: ACMG Guidelines, 2015. Collection method: clinical testing. Allele origin: germline.

NM_001040108.2(MLH3):c.3175A>T (p.Asn1059Tyr)

Gene: MLH3 (mutL homolog 3; minus strand). Cytogenetic location: 14q24.3.
Variant type: single nucleotide variant.
Coding change: c.3175A>T on transcript NM_001040108.2 (MANE Select); coding-DNA position 3175, A replaced by T.
Protein change: p.Asn1059Tyr; replaces asparagine 1059 with tyrosine.
Molecular consequence: missense variant.
Genome position (GRCh38, 1-based): chr14:75,046,481, T>A on the plus strand (A>T on the coding strand, the complement: MLH3 is on the minus strand). VCF-style: chr14-75046481-T-A. GRCh37 (hg19) VCF-style: chr14-75513184-T-A.
Other names: c.3175A>T, p.Asn1059Tyr (NM_014381.3); short protein forms N1059Y.
Identifiers: ClinVar variation 3576757 (VCV003576757.2).
Genomic context (GRCh38, chr14:75,046,481, plus strand): 5'-TACAAGCAGCCTGAATGTCCTCAGTTGGGGCAATGAATGTGCTGAGTCCAGTCATTTTGT[T>A]GACATAAACCATTCTTCCCAGGGCTACATCGAAATGCCGCTGCCAATCTGAACAACACGT-3'
Protein context (NP_001035197.1, residues 1049-1069): DVALGRMVYV[Asn1059Tyr]KMTGLSTFIA